The following is an entry in ClinVar:

NM_031475.3(ESPN):c.2132G>C (p.Gly711Ala)

Gene: ESPN (espin; plus strand). Cytogenetic location: 1p36.31.
Variant type: single nucleotide variant.
Coding change: c.2132G>C on transcript NM_031475.3 (MANE Select); coding-DNA position 2132, G replaced by C.
Protein change: p.Gly711Ala; replaces glycine 711 with alanine.
Molecular consequence: missense variant.
Genome position (GRCh38, 1-based): chr1:6,451,903, G>C. VCF-style: chr1-6451903-G-C. GRCh37 (hg19) VCF-style: chr1-6511963-G-C.
Other names: c.2042G>C, p.Gly681Ala (NM_001367473.1); c.2069G>C, p.Gly690Ala (NM_001367474.1); short protein forms G681A, G690A, G711A.
Identifiers: ClinVar variation 3390702 (VCV003390702.2).

ClinVar aggregate classification (germline): Uncertain significance. Review status: criteria provided, multiple submitters, no conflicts (2 of 4 stars). 2 submissions from 2 submitters: Uncertain significance (2). Last evaluated 2025-02-25.

Conditions:
Inborn genetic diseases. Identifiers: MedGen C0950123, MeSH D030342.

Submissions (2):

Ambry Genetics
Classification: Uncertain significance for Inborn genetic diseases. Last evaluated: 2025-02-25. Review status: criteria provided, single submitter. Criteria: Ambry Variant Classification Scheme 2023. Collection method: clinical testing. Allele origin: germline.

GeneDx
Classification: Uncertain significance. Last evaluated: 2024-06-12. Review status: criteria provided, single submitter. Criteria: GeneDx Variant Classification Process June 2021. Collection method: clinical testing. Allele origin: germline. Affected: yes.
Comment: Not observed at significant frequency in large population cohorts (gnomAD); In silico analysis supports that this missense variant has a deleterious effect on protein structure/function; Has not been previously published as pathogenic or benign to our knowledge